The following is an entry in ClinVar:

ClinVar aggregate classification (germline): Conflicting classifications of pathogenicity. Review status: criteria provided, conflicting classifications (1 of 4 stars). 6 submissions from 5 submitters: Uncertain significance (4); Likely benign (1). 1 of the submissions does not count toward it. Last evaluated 2024-05-17.

Conditions:
Inborn genetic diseases. Identifiers: MedGen C0950123, MeSH D030342.
Achromatopsia. Also called: Rod monochromatism. Identifiers: Orphanet 49382, MedGen C0152200, MONDO:0018852, HP:0011516.
Achromatopsia 3 (ACHM3). Also called: PINGELAPESE BLINDNESS; TOTAL COLORBLINDNESS WITH MYOPIA; ROD MONOCHROMACY 1; ROD MONOCHROMATISM 1; ACHROMATOPSIA WITH MYOPIA. Identifiers: Orphanet 49382, MedGen C1849792, MONDO:0009875, OMIM 262300.
Severe early-childhood-onset retinal dystrophy (STGD1). Also called: Stargardt macular dystrophy; Juvenile onset macular degeneration; Stargardt disease 1; MACULAR DYSTROPHY WITH FLECKS, TYPE 1; STGD. Identifiers: Orphanet 364055, Orphanet 827, MedGen C1855465, MeSH D000080362, MONDO:0009549, OMIM 248200.

Allele frequency attached by ClinVar (database versions not stated): gnomAD exomes 0.00006 and 0.00010; gnomAD 0.00011 and 0.00009; ESP Exome Variant Server 0.00008; TOPMed 0.00012; ExAC 0.00004.
gnomAD v4.1: 153 of 1,614,036 alleles (0.0095%); highest among the groups gnomAD compares: African/African-American, 0.013%; no homozygotes.

Submissions (6):

Blueprint Genetics
Classification: Uncertain significance. Last evaluated: 2024-05-17. Review status: criteria provided, single submitter. Criteria: ACMG Guidelines, 2015. Collection method: clinical testing. Allele origin: germline.

Ambry Genetics
Classification: Likely benign for Inborn genetic diseases. Last evaluated: 2023-08-21. Review status: criteria provided, single submitter. Criteria: Ambry Variant Classification Scheme 2023. Collection method: clinical testing. Allele origin: germline.

Labcorp Genetics (formerly Invitae), Labcorp
Classification: Uncertain significance. Last evaluated: 2022-08-16. Review status: criteria provided, single submitter. Criteria: Invitae Variant Classification Sherloc (09022015). Collection method: clinical testing. Allele origin: germline.
Comment: This sequence change replaces arginine, which is basic and polar, with glutamine, which is neutral and polar, at codon 696 of the CNGB3 protein (p.Arg696Gln). This variant is present in population databases (rs377730576, gnomAD 0.02%). This variant has not been reported in the literature in individuals affected with CNGB3-related conditions. ClinVar contains an entry for this variant (Variation ID: 910494). Advanced modeling of protein sequence and biophysical properties (such as structural, functional, and spatial information, amino acid conservation, physicochemical variation, residue mobility, and thermodynamic stability) performed at Invitae indicates that this missense variant is not expected to disrupt CNGB3 protein function. In summary, the available evidence is currently insufficient to determine the role of this variant in disease. Therefore, it has been classified as a Variant of Uncertain Significance.

Illumina Laboratory Services, Illumina
Classification: Uncertain significance for Achromatopsia 3. Last evaluated: 2018-01-13. Review status: criteria provided, single submitter. Criteria: ICSL Variant Classification Criteria 13 December 2019. Collection method: clinical testing. Allele origin: germline.

Illumina Laboratory Services, Illumina
Classification: Uncertain significance for Severe early-childhood-onset retinal dystrophy. Last evaluated: 2018-01-13. Review status: criteria provided, single submitter. Criteria: ICSL Variant Classification Criteria 13 December 2019. Collection method: clinical testing. Allele origin: germline.

Natera, Inc.
Classification: Uncertain significance for Achromatopsia. Last evaluated: 2020-03-12. Review status: no assertion criteria provided. Collection method: clinical testing. Allele origin: germline. Not counted in ClinVar's aggregate classification.

NM_019098.5(CNGB3):c.2087G>A (p.Arg696Gln)

Gene: CNGB3 (cyclic nucleotide gated channel subunit beta 3; minus strand). Cytogenetic location: 8q21.3.
Variant type: single nucleotide variant.
Coding change: c.2087G>A on transcript NM_019098.5 (MANE Select); coding-DNA position 2087, G replaced by A.
Protein change: p.Arg696Gln; replaces arginine 696 with glutamine.
Molecular consequence: missense variant.
Genome position (GRCh38, 1-based): chr8:86,578,705, C>T on the plus strand (G>A on the coding strand, the complement: CNGB3 is on the minus strand). VCF-style: chr8-86578705-C-T. GRCh37 (hg19) VCF-style: chr8-87590933-C-T.
Other names: short protein forms R696Q.
Identifiers: ClinVar variation 910494 (VCV000910494.11), dbSNP rs377730576, ClinGen allele CA4799813.